The following is an entry in ClinVar:

ClinVar aggregate classification (germline): Pathogenic/Likely pathogenic. Review status: criteria provided, multiple submitters, no conflicts (2 of 4 stars). 2 submissions from 2 submitters: Pathogenic (1); Likely pathogenic (1). Last evaluated 2022-09-26.

Conditions:
Mucopolysaccharidosis, MPS-III-A (MPS3A). Also called: mucopolysaccharidosis type 3A; Mucopolysaccharidosis, type IIIA; MUCOPOLYSACCHARIDOSIS, TYPE IIIA, ATTENUATED; MPS IIIA (Sanfilippo Syndrome Type A); Mucopolysaccharidosis type IIIA (Sanfilippo A); MPS III A. Identifiers: Orphanet 581, Orphanet 79269, MedGen C0086647, MONDO:0009655, OMIM 252900.

Submissions (2):

Labcorp Genetics (formerly Invitae), Labcorp
Classification: Pathogenic for Mucopolysaccharidosis, MPS-III-A. Last evaluated: 2022-09-26. Review status: criteria provided, single submitter. Criteria: Invitae Variant Classification Sherloc (09022015). Collection method: clinical testing. Allele origin: germline.
Comment: This variant has not been reported in the literature in individuals affected with SGSH-related conditions. ClinVar contains an entry for this variant (Variation ID: 1405407). For these reasons, this variant has been classified as Pathogenic. This sequence change creates a premature translational stop signal (p.Pro133Argfs*131) in the SGSH gene. It is expected to result in an absent or disrupted protein product. Loss-of-function variants in SGSH are known to be pathogenic (PMID: 11182930, 21204211, 22976768). This variant is not present in population databases (gnomAD no frequency).

Juno Genomics, Hangzhou Juno Genomics, Inc
Classification: Likely pathogenic for Mucopolysaccharidosis, MPS-III-A. Review status: criteria provided, single submitter. Criteria: ACMG Guidelines, 2015. Collection method: clinical testing. Allele origin: germline.
Comment: Null variant in a gene where loss of function (LOF) is a known mechanism of disease.;Absent from controls (or at extremely low frequency if recessive) in Genome Aggregation Database.

Literature cited by the submitters: PubMed 11182930 (cited by Labcorp Genetics (formerly Invitae), Labcorp); PubMed 21204211 (cited by Labcorp Genetics (formerly Invitae), Labcorp); PubMed 22976768 (cited by Labcorp Genetics (formerly Invitae), Labcorp).

NM_000199.5(SGSH):c.398del (p.Pro133fs)

Gene: SGSH (N-sulfoglucosamine sulfohydrolase; minus strand). Cytogenetic location: 17q25.3.
Variant type: Deletion.
Coding change: c.398del on transcript NM_000199.5 (MANE Select); coding-DNA position 398, one base deleted (C; older notation c.398delC).
Protein change: p.Pro133fs; shifts the reading frame from proline 133.
Molecular consequence: frameshift variant. On other transcripts: non-coding transcript variant (1).
Genome position (GRCh38, 1-based): chr17:80,214,723, G deleted on the plus strand (C on the coding strand, the reverse complement: SGSH is on the minus strand); the first of 3 consecutive G bases (chr17:80,214,723-80,214,725); deleting any one gives the same sequence. VCF-style (leftmost placement, unchanged base first): chr17-80214722-CG-C. GRCh37 (hg19) VCF-style: chr17-78188521-CG-C.
Other names: c.398del, p.Pro133fs (NM_001352921.3, NM_001352922.2); short protein forms P133fs.
Identifiers: ClinVar variation 1405407 (VCV001405407.10), dbSNP rs2144749648, ClinGen allele CA2573155035.